The following is an entry in ClinVar:

ClinVar aggregate classification (germline): Benign. Review status: criteria provided, multiple submitters, no conflicts (2 of 4 stars). 9 submissions from 8 submitters: Benign (9). Last evaluated 2026-02-03.

Conditions:
Dyskeratosis congenita. Identifiers: Orphanet 1775, MedGen C0265965, MONDO:0015780.
Revesz syndrome. Also called: EXUDATIVE RETINOPATHY WITH BONE MARROW FAILURE; DYSKERATOSIS CONGENITA, AUTOSOMAL DOMINANT 5. Identifiers: Orphanet 3088, MedGen C1327916, MONDO:0009990, OMIM 268130.
Dyskeratosis congenita, autosomal dominant 3. Identifiers: MedGen C3151445, MONDO:0013522, OMIM 613990.

Allele frequency attached by ClinVar (database versions not stated): gnomAD exomes 0.00330 and 0.00832; ExAC 0.01039; gnomAD 0.03473 and 0.03737; ESP Exome Variant Server 0.03679; 1000 Genomes Project 0.03834; TOPMed 0.03880; 1000 Genomes Project 30x 0.04154.
gnomAD v4.1: 10,339 of 1,613,564 alleles (0.64%); highest among the groups gnomAD compares: African/African-American, 12%; 604 homozygotes.

Submissions (9):

Labcorp Genetics (formerly Invitae), Labcorp
Classification: Benign for Dyskeratosis congenita. Last evaluated: 2026-02-03. Review status: criteria provided, single submitter. Criteria: Invitae Variant Classification Sherloc (09022015). Collection method: clinical testing. Allele origin: germline.

Center for Genomic Medicine, Rigshospitalet, Copenhagen University Hospital
Classification: Benign. Last evaluated: 2025-12-29. Review status: criteria provided, single submitter. Criteria: ACMG Guidelines, 2015. Collection method: clinical testing. Allele origin: germline.
Comment: Classification criteria: BA1

ARUP Laboratories, Molecular Genetics and Genomics, ARUP Laboratories
Classification: Benign. Last evaluated: 2025-05-21. Review status: criteria provided, single submitter. Criteria: ARUP Molecular Germline Variant Investigation Process 2024. Collection method: clinical testing. Allele origin: germline.

Mayo Clinic Laboratories, Mayo Clinic
Classification: Benign. Last evaluated: 2018-06-21. Review status: criteria provided, single submitter. Criteria: ACMG Guidelines, 2015. Collection method: clinical testing. Allele origin: germline. Observed: 12 variant alleles.

Illumina Laboratory Services, Illumina
Classification: Benign for Dyskeratosis congenita, autosomal dominant 3. Last evaluated: 2018-01-12. Review status: criteria provided, single submitter. Criteria: ICSL Variant Classification Criteria 13 December 2019. Collection method: clinical testing. Allele origin: germline.
Comment: This variant was observed in the ICSL laboratory as part of a predisposition screen in an ostensibly healthy population. It had not been previously curated by ICSL or reported in the Human Gene Mutation Database (HGMD: prior to June 1st, 2018), and was therefore a candidate for classification through an automated scoring system. Utilizing variant allele frequency, disease prevalence and penetrance estimates, and inheritance mode, an automated score was calculated to assess if this variant is too frequent to cause the disease. Based on the score and internal cut-off values, a variant classified as benign is not then subjected to further curation. The score for this variant resulted in a classification of benign for this disease.

Illumina Laboratory Services, Illumina
Classification: Benign for Revesz syndrome. Last evaluated: 2018-01-12. Review status: criteria provided, single submitter. Criteria: ICSL Variant Classification Criteria 13 December 2019. Collection method: clinical testing. Allele origin: germline.
Comment: the same text as in the submission from Illumina Laboratory Services, Illumina above.

Ambry Genetics
Classification: Benign for Dyskeratosis congenita. Last evaluated: 2017-03-14. Review status: criteria provided, single submitter. Criteria: Ambry Variant Classification Scheme 2023. Collection method: clinical testing. Allele origin: germline.

GeneDx
Classification: Benign. Last evaluated: 2015-03-03. Review status: criteria provided, single submitter. Criteria: GeneDx Variant Classification Process June 2021. Collection method: clinical testing. Allele origin: germline. Affected: yes.

Breakthrough Genomics
Classification: Benign. Review status: criteria provided, single submitter. Criteria: ACMG Guidelines, 2015. Collection method: not provided. Allele origin: germline. Inheritance: Autosomal dominant inheritance. Affected: yes.

NM_001099274.3(TINF2):c.710G>A (p.Gly237Asp)

Gene: TINF2 (TERF1 interacting nuclear factor 2; minus strand). Cytogenetic location: 14q12.
Variant type: single nucleotide variant.
Coding change: c.710G>A on transcript NM_001099274.3 (MANE Select); coding-DNA position 710, G replaced by A.
Protein change: p.Gly237Asp; replaces glycine 237 with aspartic acid.
Molecular consequence: missense variant.
Genome position (GRCh38, 1-based): chr14:24,240,770, C>T on the plus strand (G>A on the coding strand, the complement: TINF2 is on the minus strand). VCF-style: chr14-24240770-C-T. GRCh37 (hg19) VCF-style: chr14-24709976-C-T.
Other names: c.605G>A, p.Gly202Asp (NM_001363668.2); c.710G>A, p.Gly237Asp (NM_012461.3); short protein forms G237D, G202D.
Identifiers: ClinVar variation 312951 (VCV000312951.27), dbSNP rs17102313, ClinGen allele CA7130572.
Genomic context (GRCh38, chr14:24,240,770, plus strand): 5'-TGTCGGCCAGCTAGAGGTTCTGGGTGCGTCCTTGAAGATGGTCCCTGAGGAAGATGTGTG[C>T]CAGGCTTGGCTTTTGGCAGGGGATTGTGGAGTGCTAGTCTTTGTTGCTGAGGAGGATTCT-3'
Protein context (NP_001092744.1, residues 227-247): LHNPLPKAKP[Gly237Asp]THLPQGPSSR